The following is an entry in ClinVar:

NM_001242896.3(DEPDC5):c.871+1G>T

Gene: DEPDC5 (DEP domain containing 5, GATOR1 subcomplex subunit; plus strand). Cytogenetic location: 22q12.2.
Variant type: single nucleotide variant.
Coding change: c.871+1G>T on transcript NM_001242896.3 (MANE Select); the canonical splice donor site of the intron after coding-DNA position 871, G replaced by T.
Molecular consequence: splice donor variant.
Genome position (GRCh38, 1-based): chr22:31,797,704, G>T. VCF-style: chr22-31797704-G-T. GRCh37 (hg19) VCF-style: chr22-32193690-G-T.
Other names: c.871+1G>T (NM_001364318.2, NM_001136029.4, NM_014662.6 and 7 more transcripts); c.787+1G>T (NM_001369902.1, NM_001369901.1).
Identifiers: ClinVar variation 466497 (VCV000466497.8), dbSNP rs1556607762, ClinGen allele CA411290760.

ClinVar aggregate classification (germline): Likely pathogenic (1 of 4 stars; one submission).

Conditions:
Familial focal epilepsy with variable foci (FPEVF). Identifiers: Orphanet 98820, MedGen C1858477, MONDO:0020310.

Submission:

Labcorp Genetics (formerly Invitae), Labcorp
Classification: Likely pathogenic for Familial focal epilepsy with variable foci. Last evaluated: 2017-05-14. Review status: criteria provided, single submitter. Criteria: Invitae Variant Classification Sherloc (09022015). Collection method: clinical testing. Allele origin: germline.
Comment: In summary, donor and acceptor splice site variants are typically loss-of-function (PMID: 16199547), and loss-of-function variants in DEPDC5 are known to be pathogenic (PMID: 26505888). However, without additional functional and/or genetic data, this variant has been classified as Likely Pathogenic. This variant has not been reported in the literature in individuals with a DEPDC5-related disease. This sequence change affects a donor splice site in intron 13 of the DEPDC5 gene. It is expected to disrupt RNA splicing and likely results in an absent or disrupted protein product.

Literature cited by the submitters: PubMed 16199547; PubMed 26505888.